The following is an entry in ClinVar:

NM_182914.3(SYNE2):c.4912T>C (p.Tyr1638His)

Gene: SYNE2 (spectrin repeat containing nuclear envelope protein 2; plus strand). Cytogenetic location: 14q23.2.
Variant type: single nucleotide variant.
Coding change: c.4912T>C on transcript NM_182914.3 (MANE Select); coding-DNA position 4912, T replaced by C.
Protein change: p.Tyr1638His; replaces tyrosine 1638 with histidine.
Molecular consequence: missense variant.
Genome position (GRCh38, 1-based): chr14:64,017,619, T>C. VCF-style: chr14-64017619-T-C. GRCh37 (hg19) VCF-style: chr14-64484337-T-C.
Other names: c.4912T>C, p.Tyr1638His (NM_015180.6); short protein forms Y1638H.
Identifiers: ClinVar variation 313509 (VCV000313509.45), dbSNP rs146801942, ClinGen allele CA7220350.

ClinVar aggregate classification (germline): Conflicting classifications of pathogenicity. Review status: criteria provided, conflicting classifications (1 of 4 stars). 7 submissions from 7 submitters: Uncertain significance (1); Benign (1); Likely benign (3). 2 of the submissions do not count toward it. Last evaluated 2025-10-14.

Conditions:
Emery-Dreifuss muscular dystrophy 5, autosomal dominant (EDMD5). Also called: EMERY-DREIFUSS MUSCULAR DYSTROPHY 5. Identifiers: Orphanet 261, MedGen C2751805, MONDO:0013072, OMIM 612999.

Allele frequency attached by ClinVar (database versions not stated): ESP Exome Variant Server 0.00026; 1000 Genomes Project 0.00040; ExAC 0.00041; gnomAD exomes 0.00044 and 0.00097; 1000 Genomes Project 30x 0.00047; gnomAD 0.00050 and 0.00052; TOPMed 0.00052.
gnomAD v4.1: 1,468 of 1,612,654 alleles (0.091%); highest among the groups gnomAD compares: Non-Finnish European, 0.11%; 1 homozygote.

Submissions (7):

Labcorp Genetics (formerly Invitae), Labcorp
Classification: Likely benign for Emery-Dreifuss muscular dystrophy 5, autosomal dominant. Last evaluated: 2025-10-14. Review status: criteria provided, single submitter. Criteria: Invitae Variant Classification Sherloc (09022015). Collection method: clinical testing. Allele origin: germline.

CeGaT Center for Human Genetics Tuebingen
Classification: Likely benign. Last evaluated: 2023-11-01. Review status: criteria provided, single submitter. Criteria: CeGaT Center For Human Genetics Tuebingen Variant Classification Criteria Version 2. Collection method: clinical testing. Allele origin: germline. Affected: yes. Observed: 3 variant alleles.
Comment: SYNE2: BP4

Revvity Omics, Revvity
Classification: Likely benign for Emery-Dreifuss muscular dystrophy 5, autosomal dominant. Last evaluated: 2019-10-30. Review status: criteria provided, single submitter. Criteria: ACMG Guidelines, 2015. Collection method: clinical testing. Allele origin: germline.

Athena Diagnostics
Classification: Uncertain significance. Last evaluated: 2019-09-25. Review status: criteria provided, single submitter. Criteria: Athena Diagnostics Criteria. Collection method: clinical testing. Allele origin: unknown.

Illumina Laboratory Services, Illumina
Classification: Benign for Emery-Dreifuss muscular dystrophy 5, autosomal dominant. Last evaluated: 2018-01-12. Review status: criteria provided, single submitter. Criteria: ICSL Variant Classification Criteria 13 December 2019. Collection method: clinical testing. Allele origin: germline.
Comment: This variant was observed in the ICSL laboratory as part of a predisposition screen in an ostensibly healthy population. It had not been previously curated by ICSL or reported in the Human Gene Mutation Database (HGMD: prior to June 1st, 2018), and was therefore a candidate for classification through an automated scoring system. Utilizing variant allele frequency, disease prevalence and penetrance estimates, and inheritance mode, an automated score was calculated to assess if this variant is too frequent to cause the disease. Based on the score and internal cut-off values, a variant classified as benign is not then subjected to further curation. The score for this variant resulted in a classification of benign for this disease.

Clinical Genetics DNA and cytogenetics Diagnostics Lab, Erasmus MC, Erasmus Medical Center
Classification: Likely benign. Review status: no assertion criteria provided. Collection method: clinical testing. Allele origin: germline. Affected: yes. Study: VKGL Data-share Consensus. Not counted in ClinVar's aggregate classification.

Genome Diagnostics Laboratory, University Medical Center Utrecht
Classification: Likely benign. Review status: no assertion criteria provided. Collection method: clinical testing. Allele origin: germline. Affected: yes. Study: VKGL Data-share Consensus. Not counted in ClinVar's aggregate classification.